The following is an entry in ClinVar:

ClinVar aggregate classification (germline): Pathogenic (1 of 4 stars; one submission).

Conditions:
Nemaline myopathy 2 (NEM2). Also called: Nemaline myopathy 2, autosomal recessive. Identifiers: MedGen C1850569, MONDO:0009725, OMIM 256030.

Submission:

Labcorp Genetics (formerly Invitae), Labcorp
Classification: Pathogenic for Nemaline myopathy 2. Last evaluated: 2021-10-09. Review status: criteria provided, single submitter. Criteria: Invitae Variant Classification Sherloc (09022015). Collection method: clinical testing. Allele origin: germline.
Comment: This variant occurs in a region of NEB (Exons 82-105) consisting of three highly homologous 8-exon repeat units (exons 82-89, exons 90-97, exons 98-105). Sequence variants in this region can be detected, but this assay cannot determine which of the three repeat units is affected, and zygosity is often ambiguous. All variants in this region are reported relative to the exon 82-89 repeat. For these reasons, this variant has been classified as Pathogenic. This variant has not been reported in the literature in individuals affected with NEB-related conditions. The frequency data for this variant in the population databases (ExAC) is considered unreliable due to the presence of homologous sequence, such as pseudogenes or paralogs, in the genome. This sequence change creates a premature translational stop signal (p.Asn4381Metfs*6) in the NEB gene. It is expected to result in an absent or disrupted protein product. Loss-of-function variants in NEB are known to be pathogenic (PMID: 25205138).

Literature cited by the submitters: PubMed 25205138.

NM_001164508.2(NEB):c.13142del (p.Asn4381fs)

Gene: NEB (nebulin; minus strand). Cytogenetic location: 2q23.3.
Variant type: Deletion.
Coding change: c.13142del on transcript NM_001164508.2 (MANE Select); coding-DNA position 13142, one base deleted (A; older notation c.13142delA).
Protein change: p.Asn4381fs; shifts the reading frame from asparagine 4381.
Molecular consequence: frameshift variant. On other transcripts: intron variant (1).
Genome position (GRCh38, 1-based): chr2:151,603,690, T deleted on the plus strand (A on the coding strand, the reverse complement: NEB is on the minus strand); the first of 2 consecutive T bases (chr2:151,603,690-151,603,691); deleting either gives the same sequence. VCF-style (leftmost placement, unchanged base first): chr2-151603689-AT-A. GRCh37 (hg19) VCF-style: chr2-152460203-AT-A.
Other names: c.13142del, p.Asn4381fs (NM_001164507.2, NM_001271208.2); c.11601+6119del (NM_004543.5); short protein forms N4381fs.
Identifiers: ClinVar variation 1399682 (VCV001399682.6), dbSNP rs2153930968, ClinGen allele CA2573133408.
Genomic context (GRCh38, chr2:151,603,689, plus strand): 5'-GGTGAATTTGAGGGCCTCAGGCTTTATACGATACAGCCTTTCATTCAAGAGATTCTGGGC[AT>A]TCTTCACTCTCATCACTTCCACAGAACCCTCTGGCAGCCATCCAATACCCTTCAGCCATT-3'